The following is an entry in ClinVar:

NM_015662.3(IFT172):c.167A>C (p.Lys56Thr)

Gene: IFT172 (intraflagellar transport 172; minus strand). Cytogenetic location: 2p23.3.
Variant type: single nucleotide variant.
Coding change: c.167A>C on transcript NM_015662.3 (MANE Select); coding-DNA position 167, A replaced by C.
Protein change: p.Lys56Thr; replaces lysine 56 with threonine.
Molecular consequence: missense variant.
Genome position (GRCh38, 1-based): chr2:27,485,376, T>G on the plus strand (A>C on the coding strand, the complement: IFT172 is on the minus strand). VCF-style: chr2-27485376-T-G. GRCh37 (hg19) VCF-style: chr2-27708243-T-G.
Other names: c.167A>C (NM_015662.2); short protein forms K56T.
Identifiers: ClinVar variation 1015325 (VCV001015325.13), dbSNP rs780205001, ClinGen allele CA1581108.

ClinVar aggregate classification (germline): Uncertain significance. Review status: criteria provided, multiple submitters, no conflicts (2 of 4 stars). 5 submissions from 5 submitters: Uncertain significance (3). 2 of the submissions do not count toward it. Last evaluated 2024-09-12.

Conditions:
Retinitis pigmentosa 71 (RP71). Identifiers: Orphanet 791, MedGen C4225342, MONDO:0014618, OMIM 616394.
Short-rib thoracic dysplasia 10 with or without polydactyly (SRTD10). Identifiers: Orphanet 474, MedGen C3810175, MONDO:0014284, OMIM 615630.
IFT172-related disorder. Also called: IFT172-related disorders; IFT172-related condition.
Bardet-Biedl syndrome 20. Identifiers: MedGen C4310707, MONDO:0023670, OMIM 619471, MONDO:0014926.
Retinal dystrophy. Also called: Inherited retinal dystrophy. Identifiers: Orphanet 71862, MedGen C0854723, MeSH D058499, MONDO:0019118, HP:0000556.

Allele frequency attached by ClinVar (database versions not stated): ExAC 0.00001; gnomAD exomes 0.00001.
gnomAD v4.1: 12 of 1,614,086 alleles (0.00074%); highest among the groups gnomAD compares: Non-Finnish European, 0.00076%; no homozygotes.

Submissions (5):

Blueprint Genetics
Classification: Uncertain significance. Last evaluated: 2024-09-12. Review status: criteria provided, single submitter. Criteria: ACMG Guidelines, 2015. Collection method: clinical testing. Allele origin: germline.

Labcorp Genetics (formerly Invitae), Labcorp
Classification: Uncertain significance for Retinitis pigmentosa 71; Short-rib thoracic dysplasia 10 with or without polydactyly. Last evaluated: 2022-10-04. Review status: criteria provided, single submitter. Criteria: Invitae Variant Classification Sherloc (09022015). Collection method: clinical testing. Allele origin: germline.
Comment: Advanced modeling of protein sequence and biophysical properties (such as structural, functional, and spatial information, amino acid conservation, physicochemical variation, residue mobility, and thermodynamic stability) performed at Invitae indicates that this missense variant is expected to disrupt IFT172 protein function. In summary, the available evidence is currently insufficient to determine the role of this variant in disease. Therefore, it has been classified as a Variant of Uncertain Significance. ClinVar contains an entry for this variant (Variation ID: 1015325). This sequence change replaces lysine, which is basic and polar, with threonine, which is neutral and polar, at codon 56 of the IFT172 protein (p.Lys56Thr). This variant is present in population databases (rs780205001, gnomAD 0.002%). This variant has not been reported in the literature in individuals affected with IFT172-related conditions.

Fulgent Genetics
Classification: Uncertain significance for Short-rib thoracic dysplasia 10 with or without polydactyly; Retinitis pigmentosa 71; Bardet-Biedl syndrome 20. Last evaluated: 2021-12-25. Review status: criteria provided, single submitter. Criteria: ACMG Guidelines, 2015. Collection method: clinical testing. Allele origin: unknown.

PreventionGenetics, part of Exact Sciences
Classification: Uncertain significance for IFT172-related condition. Last evaluated: 2023-11-21. Review status: no assertion criteria provided. Collection method: clinical testing. Allele origin: germline. Not counted in ClinVar's aggregate classification.
Comment: The IFT172 c.167A>C variant is predicted to result in the amino acid substitution p.Lys56Thr. This variant has been reported in the apparently homozygous state in an individual with liver disease and adult-onset nephronophthisis (Neřoldová et al. 2023. PubMed ID: 37471416). This variant is reported in 0.0026% of alleles in individuals of European (Non-Finnish) descent in gnomAD. At this time, the clinical significance of this variant is uncertain due to the absence of conclusive functional and genetic evidence.

Institute of Human Genetics, Univ. Regensburg, Univ. Regensburg
Classification: Uncertain significance for Retinal dystrophy. Last evaluated: 2019-01-01. Review status: no assertion criteria provided. Criteria: ACMG Guidelines, 2015. Collection method: clinical testing. Allele origin: germline. Affected: yes. Not counted in ClinVar's aggregate classification.